The following is an entry in ClinVar:

NM_001151.4(SLC25A4):c.239G>A (p.Arg80His)

Gene: SLC25A4 (solute carrier family 25 member 4; plus strand). Cytogenetic location: 4q35.1.
Variant type: single nucleotide variant.
Coding change: c.239G>A on transcript NM_001151.4 (MANE Select); coding-DNA position 239, G replaced by A.
Protein change: p.Arg80His; replaces arginine 80 with histidine.
Molecular consequence: missense variant.
Genome position (GRCh38, 1-based): chr4:185,144,891, G>A. VCF-style: chr4-185144891-G-A. GRCh37 (hg19) VCF-style: chr4-186066045-G-A.
Other names: short protein forms R80H.
Identifiers: ClinVar variation 253037 (VCV000253037.11), dbSNP rs886041081, ClinGen allele CA10602460.
Genomic context (GRCh38, chr4:185,144,891, plus strand): 5'-GAATCCCTAAGGAGCAGGGCTTCCTCTCCTTCTGGAGGGGTAACCTGGCCAACGTGATCC[G>A]TTACTTCCCCACCCAAGCTCTCAACTTCGCCTTCAAGGACAAGTACAAGCAGCTCTTCTT-3'
Protein context (NP_001142.2, residues 70-90): FWRGNLANVI[Arg80His]YFPTQALNFA

ClinVar aggregate classification (germline): Pathogenic. Review status: criteria provided, multiple submitters, no conflicts (2 of 4 stars). 6 submissions from 6 submitters: Pathogenic (4). 2 of the submissions do not count toward it. Last evaluated 2023-10-06.

Conditions:
Inborn genetic diseases. Identifiers: MedGen C0950123, MeSH D030342.
Mitochondrial DNA depletion syndrome 12A (cardiomyopathic type), autosomal dominant. Also called: Mitochondrial DNA depletion syndrome 12A (cardiomyopathic type) AD. Identifiers: MedGen C4310676, MONDO:0014959, OMIM 617184.
Mitochondrial disease. Also called: Mitochondrial disorders; Mitochondrial disorder. Identifiers: Orphanet 68380, MedGen C0751651, MeSH D028361, MONDO:0044970.

Submissions (6):

Labcorp Genetics (formerly Invitae), Labcorp
Classification: Pathogenic. Last evaluated: 2023-10-06. Review status: criteria provided, single submitter. Criteria: Invitae Variant Classification Sherloc (09022015). Collection method: clinical testing. Allele origin: germline.
Comment: This sequence change replaces arginine, which is basic and polar, with histidine, which is basic and polar, at codon 80 of the SLC25A4 protein (p.Arg80His). This variant is not present in population databases (gnomAD no frequency). This missense change has been observed in individual(s) with autosomal dominant SLC25A4-related conditions (PMID: 27693233, 32827528). In at least one individual the variant was observed to be de novo. ClinVar contains an entry for this variant (Variation ID: 253037). Advanced modeling of protein sequence and biophysical properties (such as structural, functional, and spatial information, amino acid conservation, physicochemical variation, residue mobility, and thermodynamic stability) has been performed at Invitae for this missense variant, however the output from this modeling did not meet the statistical confidence thresholds required to predict the impact of this variant on SLC25A4 protein function. Experimental studies have shown that this missense change affects SLC25A4 function (PMID: 27693233). For these reasons, this variant has been classified as Pathogenic.

Institute of Medical Genetics and Applied Genomics, University Hospital Tübingen
Classification: Pathogenic for Mitochondrial DNA depletion syndrome 12A (cardiomyopathic type), autosomal dominant. Last evaluated: 2023-07-31. Review status: criteria provided, single submitter. Criteria: ACMG Guidelines, 2015. Collection method: clinical testing. Allele origin: somatic. Inheritance: Autosomal dominant inheritance. Affected: yes.

GeneDx
Classification: Pathogenic. Last evaluated: 2022-12-22. Review status: criteria provided, single submitter. Criteria: GeneDx Variant Classification Process June 2021. Collection method: clinical testing. Allele origin: germline. Affected: yes.
Comment: Published functional studies suggest a damaging effect, as structural analysis suggests R80H affects the proposed substrate-binding site, and in-vitro assays detected a reduced ADP transport rate in the R80H mutant construct as compared to wild type (Thompson et al., 2016); Not observed at significant frequency in large population cohorts (gnomAD); In silico analysis supports that this missense variant has a deleterious effect on protein structure/function; This variant is associated with the following publications: (PMID: 27693233, 30009132, 31271879, 32827528)

Ambry Genetics
Classification: Pathogenic for Inborn genetic diseases. Last evaluated: 2016-09-29. Review status: criteria provided, single submitter. Criteria: Ambry exome assertion method (8-5-2015). Collection method: clinical testing. Allele origin: germline. Affected: yes. Observed: 1 variant allele.

OMIM
Classification: Pathogenic for MITOCHONDRIAL DNA DEPLETION SYNDROME 12A (CARDIOMYOPATHIC TYPE), AUTOSOMAL DOMINANT. Last evaluated: 2016-11-14. Review status: no assertion criteria provided. Collection method: literature only. Allele origin: germline. Not counted in ClinVar's aggregate classification.

Mitochondrial Research Group, Newcastle University
Classification: Pathogenic for Mitochondrial disease. Last evaluated: 2016-08-06. Review status: no assertion criteria provided. Collection method: clinical testing. Allele origin: de novo. Affected: yes. Observed: 4 variant alleles. Not counted in ClinVar's aggregate classification.

Literature cited by the submitters: PubMed 27693233 (cited by Labcorp Genetics (formerly Invitae), Labcorp and OMIM); PubMed 32827528 (cited by Labcorp Genetics (formerly Invitae), Labcorp).